The following is an entry in ClinVar:

ClinVar aggregate classification (germline): Uncertain significance. Review status: criteria provided, multiple submitters, no conflicts (2 of 4 stars). 2 submissions from 2 submitters: Uncertain significance (2). Last evaluated 2022-05-21.

Allele frequency attached by ClinVar (database versions not stated): gnomAD exomes below 0.00001; ExAC 0.00001; ESP Exome Variant Server 0.00008.
gnomAD v4.1: 6 of 1,613,536 alleles (0.00037%); highest among the groups gnomAD compares: Middle Eastern, 0.017%; no homozygotes.

Submissions (2):

Labcorp Genetics (formerly Invitae), Labcorp
Classification: Uncertain significance. Last evaluated: 2022-05-21. Review status: criteria provided, single submitter. Criteria: Invitae Variant Classification Sherloc (09022015). Collection method: clinical testing. Allele origin: germline.
Comment: In summary, the available evidence is currently insufficient to determine the role of this variant in disease. Therefore, it has been classified as a Variant of Uncertain Significance. Algorithms developed to predict the effect of missense changes on protein structure and function output the following: SIFT: "Tolerated"; PolyPhen-2: "Benign"; Align-GVGD: "Class C0". The leucine amino acid residue is found in multiple mammalian species, which suggests that this missense change does not adversely affect protein function. This sequence change replaces phenylalanine, which is neutral and non-polar, with leucine, which is neutral and non-polar, at codon 833 of the RP1 protein (p.Phe833Leu). This variant is present in population databases (rs374856454, gnomAD 0.003%). This variant has not been reported in the literature in individuals affected with RP1-related conditions.

Blueprint Genetics
Classification: Uncertain significance. Last evaluated: 2020-10-20. Review status: criteria provided, single submitter. Criteria: ACMG Guidelines, 2015. Collection method: clinical testing. Allele origin: germline.

NM_006269.2(RP1):c.2497T>C (p.Phe833Leu)

Gene: RP1 (RP1 axonemal microtubule associated; plus strand). Cytogenetic location: 8q12.1.
Variant type: single nucleotide variant.
Coding change: c.2497T>C on transcript NM_006269.2 (MANE Select); coding-DNA position 2497, T replaced by C.
Protein change: p.Phe833Leu; replaces phenylalanine 833 with leucine.
Molecular consequence: missense variant. On other transcripts: intron variant (1).
Genome position (GRCh38, 1-based): chr8:54,626,379, T>C. VCF-style: chr8-54626379-T-C. GRCh37 (hg19) VCF-style: chr8-55538939-T-C.
Other names: c.787+4091T>C (NM_001375654.1); short protein forms F833L.
Identifiers: ClinVar variation 2172292 (VCV002172292.5), dbSNP rs374856454, ClinGen allele CA4751548.